The following is an entry in ClinVar:

ClinVar aggregate classification (germline): Uncertain significance (1 of 4 stars; one submission).

Submission:

Labcorp Genetics (formerly Invitae), Labcorp
Classification: Uncertain significance. Last evaluated: 2022-07-05. Review status: criteria provided, single submitter. Criteria: Invitae Variant Classification Sherloc (09022015). Collection method: clinical testing. Allele origin: germline.
Comment: In summary, the available evidence is currently insufficient to determine the role of this variant in disease. Therefore, it has been classified as a Variant of Uncertain Significance. Algorithms developed to predict the effect of sequence changes on RNA splicing suggest that this variant may create or strengthen a splice site. Algorithms developed to predict the effect of missense changes on protein structure and function are either unavailable or do not agree on the potential impact of this missense change (SIFT: "Deleterious"; PolyPhen-2: "Not Available"; Align-GVGD: "Class C0"). ClinVar contains an entry for this variant (Variation ID: 1057234). This variant has not been reported in the literature in individuals affected with FZD4-related conditions. This variant is not present in population databases (gnomAD no frequency). This sequence change replaces leucine, which is neutral and non-polar, with phenylalanine, which is neutral and non-polar, at codon 23 of the FZD4 protein (p.Leu23Phe).

NM_012193.4(FZD4):c.69G>T (p.Leu23Phe)

Gene: FZD4 (frizzled class receptor 4; minus strand). Cytogenetic location: 11q14.2.
Variant type: single nucleotide variant.
Coding change: c.69G>T on transcript NM_012193.4 (MANE Select); coding-DNA position 69, G replaced by T.
Protein change: p.Leu23Phe; replaces leucine 23 with phenylalanine.
Molecular consequence: missense variant.
Genome position (GRCh38, 1-based): chr11:86,955,017, C>A on the plus strand (G>T on the coding strand, the complement: FZD4 is on the minus strand). VCF-style: chr11-86955017-C-A. GRCh37 (hg19) VCF-style: chr11-86666059-C-A.
Other names: short protein forms L23F.
Identifiers: ClinVar variation 1057234 (VCV001057234.9), dbSNP rs2135045516, ClinGen allele CA382018569.